The following is an entry in ClinVar:

ClinVar aggregate classification (germline): Uncertain significance (1 of 4 stars; one submission).

Conditions:
Bloom syndrome (BLM). Also called: Bloom-Torre-Machacek syndrome. Identifiers: Orphanet 125, MedGen C0005859, MONDO:0008876, OMIM 210900.

Submission:

Labcorp Genetics (formerly Invitae), Labcorp
Classification: Uncertain significance for Bloom syndrome. Last evaluated: 2017-08-17. Review status: criteria provided, single submitter. Criteria: Invitae Variant Classification Sherloc (09022015). Collection method: clinical testing. Allele origin: germline.
Comment: In summary, the available evidence is currently insufficient to determine the role of this variant in disease. Therefore, it has been classified as a Variant of Uncertain Significance. Algorithms developed to predict the effect of missense changes on protein structure and function (SIFT, PolyPhen-2, Align-GVGD) all suggest that this variant is likely to be tolerated, but these predictions have not been confirmed by published functional studies and their clinical significance is uncertain. This variant has not been reported in the literature in individuals with BLM-related disease. This variant is not present in population databases (ExAC no frequency). This sequence change replaces glutamic acid with alanine at codon 164 of the BLM protein (p.Glu164Ala). The glutamic acid residue is weakly conserved and there is a moderate physicochemical difference between glutamic acid and alanine.

NM_000057.4(BLM):c.491A>C (p.Glu164Ala)

Gene: BLM (BLM RecQ like helicase; plus strand). Cytogenetic location: 15q26.1.
Variant type: single nucleotide variant.
Coding change: c.491A>C on transcript NM_000057.4 (MANE Select); coding-DNA position 491, A replaced by C.
Protein change: p.Glu164Ala; replaces glutamic acid 164 with alanine.
Molecular consequence: missense variant. On other transcripts: 5 prime UTR variant (1).
Genome position (GRCh38, 1-based): chr15:90,749,759, A>C. VCF-style: chr15-90749759-A-C. GRCh37 (hg19) VCF-style: chr15-91292989-A-C.
Other names: c.491A>C, p.Glu164Ala (NM_001287246.2, NM_001287247.2); c.-801A>C (NM_001287248.2); short protein forms E164A.
Identifiers: ClinVar variation 524756 (VCV000524756.9), dbSNP rs1555418365, ClinGen allele CA393840904.